The following is an entry in ClinVar:

NM_000642.3(AGL):c.2657C>T (p.Pro886Leu)

Gene: AGL (amylo-alpha-1,6-glucosidase and 4-alpha-glucanotransferase; plus strand). Cytogenetic location: 1p21.2.
Variant type: single nucleotide variant.
Coding change: c.2657C>T on transcript NM_000642.3 (MANE Select); coding-DNA position 2657, C replaced by T.
Protein change: p.Pro886Leu; replaces proline 886 with leucine.
Molecular consequence: missense variant.
Genome position (GRCh38, 1-based): chr1:99,884,679, C>T. VCF-style: chr1-99884679-C-T. GRCh37 (hg19) VCF-style: chr1-100350235-C-T.
Other names: p.Pro886Leu; c.2657C>T, p.Pro886Leu (NM_000028.3, NM_000643.3, NM_000644.3 and 2 more transcripts); c.2609C>T, p.Pro870Leu (NM_000646.3); c.2456C>T, p.Pro819Leu (NM_001425327.1); c.2453C>T, p.Pro818Leu (NM_001425328.1); c.2279C>T, p.Pro760Leu (NM_001425332.1); short protein forms P886L, P870L, P760L, P818L, P819L.
Identifiers: ClinVar variation 456476 (VCV000456476.9), dbSNP rs149331873, ClinGen allele CA966847.

ClinVar aggregate classification (germline): Uncertain significance. Review status: criteria provided, multiple submitters, no conflicts (2 of 4 stars). 4 submissions from 4 submitters: Uncertain significance (3). 1 of the submissions does not count toward it. Last evaluated 2025-10-21.

Conditions:
Glycogen storage disease type III (GSD3). Also called: FORBES DISEASE; Cori disease. Identifiers: Orphanet 366, MedGen C0017922, MONDO:0009291, OMIM 232400.

Allele frequency attached by ClinVar (database versions not stated): gnomAD 0.00013 and 0.00014; TOPMed 0.00014; ESP Exome Variant Server 0.00015.
gnomAD v4.1: 179 of 1,613,818 alleles (0.011%); highest among the groups gnomAD compares: Admixed American, 0.018%; no homozygotes.

Submissions (4):

Mayo Clinic Laboratories, Mayo Clinic
Classification: Uncertain significance. Last evaluated: 2025-10-21. Review status: criteria provided, single submitter. Criteria: ACMG Guidelines, 2015. Collection method: clinical testing. Allele origin: germline. Observed: 2 variant alleles.
Comment: BP4_moderate

GeneDx
Classification: Uncertain significance. Last evaluated: 2023-10-16. Review status: criteria provided, single submitter. Criteria: GeneDx Variant Classification Process June 2021. Collection method: clinical testing. Allele origin: germline. Affected: yes.
Comment: In silico analysis supports that this missense variant does not alter protein structure/function; Has not been previously published as pathogenic or benign to our knowledge

Labcorp Genetics (formerly Invitae), Labcorp
Classification: Uncertain significance for Glycogen storage disease type III. Last evaluated: 2022-10-17. Review status: criteria provided, single submitter. Criteria: Invitae Variant Classification Sherloc (09022015). Collection method: clinical testing. Allele origin: germline.
Comment: This sequence change replaces proline, which is neutral and non-polar, with leucine, which is neutral and non-polar, at codon 886 of the AGL protein (p.Pro886Leu). This variant is present in population databases (rs149331873, gnomAD 0.03%). This variant has not been reported in the literature in individuals affected with AGL-related conditions. ClinVar contains an entry for this variant (Variation ID: 456476). Algorithms developed to predict the effect of missense changes on protein structure and function (SIFT, PolyPhen-2, Align-GVGD) all suggest that this variant is likely to be tolerated. In summary, the available evidence is currently insufficient to determine the role of this variant in disease. Therefore, it has been classified as a Variant of Uncertain Significance.

Natera, Inc.
Classification: Uncertain significance for Glycogen storage disease type III. Last evaluated: 2020-09-16. Review status: no assertion criteria provided. Collection method: clinical testing. Allele origin: germline. Not counted in ClinVar's aggregate classification.